The following is an entry in ClinVar:

NM_007259.5(VPS45):c.536T>C (p.Leu179Pro)

Gene: VPS45 (vacuolar protein sorting 45 homolog; plus strand). Cytogenetic location: 1q21.2.
Variant type: single nucleotide variant.
Coding change: c.536T>C on transcript NM_007259.5 (MANE Select); coding-DNA position 536, T replaced by C.
Protein change: p.Leu179Pro; replaces leucine 179 with proline.
Molecular consequence: missense variant. On other transcripts: intron variant (1).
Genome position (GRCh38, 1-based): chr1:150,077,191, T>C. VCF-style: chr1-150077191-T-C. GRCh37 (hg19) VCF-style: chr1-150049269-T-C.
Other names: c.428T>C, p.Leu143Pro (NM_001279354.2); c.262-478T>C (NM_001279353.2); short protein forms L143P, L179P.
Identifiers: ClinVar variation 1337955 (VCV001337955.4), dbSNP rs2101519785, ClinGen allele CA342265019.

ClinVar aggregate classification (germline): Uncertain significance (1 of 4 stars; one submission).

Submission:

Genetic Services Laboratory, University of Chicago
Classification: Uncertain significance. Last evaluated: 2021-06-07. Review status: criteria provided, single submitter. Criteria: ACMG Guidelines, 2015. Collection method: clinical testing. Allele origin: germline. Affected: no.
Comment: DNA sequence analysis of the VPS45 gene demonstrated a sequence change, c.536T>C, in exon 6 that results in an amino acid change, p.Leu179Pro. This sequence change has not been described in known population databases. The p.Leu179Pro substitution appears to be benign using several in-silico pathogenicity prediction tools (SIFT, PolyPhen2, Align GVGD, REVEL). The p.Leu179Pro change affects a moderately conserved amino acid residue located in a domain of the VPS45 protein that is known to be functional. This sequence change does not appear to have been previously described in patients with VPS45-related disorders. Due to insufficient evidences and the lack of functional studies, the clinical significance of the p.Leu179Pro change remains unknown at this time.